The following is an entry in ClinVar:

ClinVar aggregate classification (germline): Uncertain significance (1 of 4 stars; one submission).

gnomAD v4.1: 2 of 1,613,684 alleles (0.00012%); highest among the groups gnomAD compares: Middle Eastern, 0.017%; no homozygotes.

Submission:

Labcorp Genetics (formerly Invitae), Labcorp
Classification: Uncertain significance. Last evaluated: 2023-10-13. Review status: criteria provided, single submitter. Criteria: Invitae Variant Classification Sherloc (09022015). Collection method: clinical testing. Allele origin: germline.
Comment: This sequence change replaces serine, which is neutral and polar, with threonine, which is neutral and polar, at codon 1478 of the LAMB1 protein (p.Ser1478Thr). This variant is not present in population databases (gnomAD no frequency). This variant has not been reported in the literature in individuals affected with LAMB1-related conditions. An algorithm developed to predict the effect of missense changes on protein structure and function (PolyPhen-2) suggests that this variant is likely to be tolerated. In summary, the available evidence is currently insufficient to determine the role of this variant in disease. Therefore, it has been classified as a Variant of Uncertain Significance.

NM_002291.3(LAMB1):c.4433G>C (p.Ser1478Thr)

Gene: LAMB1 (laminin subunit beta 1; minus strand). Cytogenetic location: 7q31.1.
Variant type: single nucleotide variant.
Coding change: c.4433G>C on transcript NM_002291.3 (MANE Select); coding-DNA position 4433, G replaced by C.
Protein change: p.Ser1478Thr; replaces serine 1478 with threonine.
Molecular consequence: missense variant.
Genome position (GRCh38, 1-based): chr7:107,931,460, C>G on the plus strand (G>C on the coding strand, the complement: LAMB1 is on the minus strand). VCF-style: chr7-107931460-C-G. GRCh37 (hg19) VCF-style: chr7-107571905-C-G.
Other names: short protein forms S1478T.
Identifiers: ClinVar variation 2986700 (VCV002986700.3), dbSNP rs2032708929, ClinGen allele CA368864180.